The following is an entry in ClinVar:

NM_030665.4(RAI1):c.4013C>T (p.Ser1338Leu)

Gene: RAI1 (retinoic acid induced 1; plus strand). Cytogenetic location: 17p11.2.
Variant type: single nucleotide variant.
Coding change: c.4013C>T on transcript NM_030665.4 (MANE Select); coding-DNA position 4013, C replaced by T.
Protein change: p.Ser1338Leu; replaces serine 1338 with leucine.
Molecular consequence: missense variant.
Genome position (GRCh38, 1-based): chr17:17,796,961, C>T. VCF-style: chr17-17796961-C-T. GRCh37 (hg19) VCF-style: chr17-17700275-C-T.
Other names: short protein forms S1338L.
Identifiers: ClinVar variation 1301287 (VCV001301287.2), dbSNP rs2143002851, ClinGen allele CA398555537.

ClinVar aggregate classification (germline): Uncertain significance (1 of 4 stars; one submission).

Allele frequency attached by ClinVar (database versions not stated): gnomAD exomes below 0.00001.

Submission:

GeneDx
Classification: Uncertain significance. Last evaluated: 2021-09-16. Review status: criteria provided, single submitter. Criteria: GeneDx Variant Classification Process June 2021. Collection method: clinical testing. Allele origin: germline. Affected: yes.
Comment: Not observed in large population cohorts (Lek et al., 2016); In silico analysis supports that this missense variant has a deleterious effect on protein structure/function; Has not been previously published as pathogenic or benign to our knowledge